The following is an entry in ClinVar:

ClinVar aggregate classification (germline): Benign/Likely benign. Review status: criteria provided, multiple submitters, no conflicts (2 of 4 stars). 5 submissions from 5 submitters: Benign (2); Likely benign (2). 1 of the submissions does not count toward it. Last evaluated 2026-01-15.

Conditions:
AP3D1-related disorder. Also called: AP3D1-related condition.

Allele frequency attached by ClinVar (database versions not stated): gnomAD exomes 0.00021; ExAC 0.00026; ESP Exome Variant Server 0.00047; gnomAD 0.00076 and 0.00078; TOPMed 0.00085; 1000 Genomes Project 0.00220; 1000 Genomes Project 30x 0.00265.
gnomAD v4.1: 265 of 1,611,458 alleles (0.016%); highest among the groups gnomAD compares: African/African-American, 0.25%; 1 homozygote.

Submissions (5):

Labcorp Genetics (formerly Invitae), Labcorp
Classification: Benign. Last evaluated: 2026-01-15. Review status: criteria provided, single submitter. Criteria: Invitae Variant Classification Sherloc (09022015). Collection method: clinical testing. Allele origin: germline.

Mayo Clinic Laboratories, Mayo Clinic
Classification: Likely benign. Last evaluated: 2025-07-21. Review status: criteria provided, single submitter. Criteria: ACMG Guidelines, 2015. Collection method: clinical testing. Allele origin: germline. Observed: 3 variant alleles.
Comment: BP4, BP7

CeGaT Center for Human Genetics Tuebingen
Classification: Likely benign. Last evaluated: 2025-03-01. Review status: criteria provided, single submitter. Criteria: CeGaT Center For Human Genetics Tuebingen Variant Classification Criteria Version 2. Collection method: clinical testing. Allele origin: germline. Affected: yes. Observed: 1 variant allele.
Comment: AP3D1: BP4, BP7

Breakthrough Genomics
Classification: Benign. Review status: criteria provided, single submitter. Criteria: ACMG Guidelines, 2015. Collection method: not provided. Allele origin: germline. Inheritance: Autosomal recessive inheritance. Affected: yes.

PreventionGenetics, part of Exact Sciences
Classification: Likely benign for AP3D1-related condition. Last evaluated: 2022-03-11. Review status: no assertion criteria provided. Collection method: clinical testing. Allele origin: germline. Not counted in ClinVar's aggregate classification.
Comment: This variant is classified as likely benign based on ACMG/AMP sequence variant interpretation guidelines (Richards et al. 2015 PMID: 25741868, with internal and published modifications).

NM_001261826.3(AP3D1):c.1902C>T (p.Ser634=)

Gene: AP3D1 (adaptor related protein complex 3 subunit delta 1; minus strand). Cytogenetic location: 19p13.3.
Variant type: single nucleotide variant.
Coding change: c.1902C>T on transcript NM_001261826.3 (MANE Select); coding-DNA position 1902, C replaced by T.
Protein change: p.Ser634=; no amino-acid change (serine 634 retained).
Molecular consequence: synonymous variant.
Genome position (GRCh38, 1-based): chr19:2,116,704, G>A on the plus strand (C>T on the coding strand, the complement: AP3D1 is on the minus strand). VCF-style: chr19-2116704-G-A. GRCh37 (hg19) VCF-style: chr19-2116703-G-A.
Other names: p.Ser634=; c.1902C>T, p.Ser634= (NM_001374799.1, NM_003938.8).
Identifiers: ClinVar variation 742005 (VCV000742005.22), dbSNP rs201354946, ClinGen allele CA9059130.